The following is an entry in ClinVar:

ClinVar aggregate classification (germline): Benign (0 of 4 stars; one submission).

Conditions:
DNHD1-related disorder. Also called: DNHD1-related condition.

Allele frequency attached by ClinVar (database versions not stated): 1000 Genomes Project 0.09964; TOPMed 0.13018; gnomAD 0.13350; ESP Exome Variant Server 0.14722; ExAC 0.14853; gnomAD exomes 0.17233.

Submission:

PreventionGenetics, part of Exact Sciences
Classification: Benign for DNHD1-related condition. Last evaluated: 2019-11-01. Review status: no assertion criteria provided. Collection method: clinical testing. Allele origin: germline.
Comment: This variant is classified as benign based on ACMG/AMP sequence variant interpretation guidelines (Richards et al. 2015 PMID: 25741868, with internal and published modifications).

NM_144666.3(DNHD1):c.836A>C (p.Gln279Pro)

Gene: DNHD1 (dynein heavy chain domain 1; plus strand). Cytogenetic location: 11p15.4.
Variant type: single nucleotide variant.
Coding change: c.836A>C on transcript NM_144666.3 (MANE Select); coding-DNA position 836, A replaced by C.
Protein change: p.Gln279Pro; replaces glutamine 279 with proline.
Molecular consequence: missense variant.
Genome position (GRCh38, 1-based): chr11:6,502,842, A>C. VCF-style: chr11-6502842-A-C. GRCh37 (hg19) VCF-style: chr11-6524072-A-C.
Other names: c.836A>C, p.Gln279Pro (NM_173589.4); short protein forms Q279P.
Identifiers: ClinVar variation 3057035 (VCV003057035.2), dbSNP rs11605196, ClinGen allele CA5855411.